The following is an entry in ClinVar:

ClinVar aggregate classification (germline): Uncertain significance (1 of 4 stars; one submission).

Conditions:
Nephronophthisis. Also called: Juvenile Nephronophthisis. Identifiers: Orphanet 655, MedGen C0687120, MONDO:0019005, HP:0000090.

Allele frequency attached by ClinVar (database versions not stated): gnomAD exomes below 0.00001 and 0.00001; gnomAD 0.00001.
gnomAD v4.1: 5 of 1,614,026 alleles (0.00031%); highest among the groups gnomAD compares: Non-Finnish European, 0.00042%; no homozygotes.

Submission:

Labcorp Genetics (formerly Invitae), Labcorp
Classification: Uncertain significance for Nephronophthisis. Last evaluated: 2022-10-17. Review status: criteria provided, single submitter. Criteria: Invitae Variant Classification Sherloc (09022015). Collection method: clinical testing. Allele origin: germline.
Comment: In summary, the available evidence is currently insufficient to determine the role of this variant in disease. Therefore, it has been classified as a Variant of Uncertain Significance. Advanced modeling of protein sequence and biophysical properties (such as structural, functional, and spatial information, amino acid conservation, physicochemical variation, residue mobility, and thermodynamic stability) performed at Invitae indicates that this missense variant is not expected to disrupt NPHP3 protein function. ClinVar contains an entry for this variant (Variation ID: 1416646). This variant has not been reported in the literature in individuals affected with NPHP3-related conditions. This variant is not present in population databases (gnomAD no frequency). This sequence change replaces glycine, which is neutral and non-polar, with alanine, which is neutral and non-polar, at codon 267 of the NPHP3 protein (p.Gly267Ala).

NM_153240.5(NPHP3):c.800G>C (p.Gly267Ala)

Genes: NPHP3 (nephrocystin 3; minus strand), NPHP3-ACAD11 (NPHP3-ACAD11 readthrough (NMD candidate); minus strand). Cytogenetic location: 3q22.1.
Variant type: single nucleotide variant.
Coding change: c.800G>C on transcript NM_153240.5 (MANE Select); coding-DNA position 800, G replaced by C.
Protein change: p.Gly267Ala; replaces glycine 267 with alanine.
Molecular consequence: missense variant. On other transcripts: non-coding transcript variant (1).
Genome position (GRCh38, 1-based): chr3:132,716,780, C>G on the plus strand (G>C on the coding strand, the complement: NPHP3 is on the minus strand). VCF-style: chr3-132716780-C-G. GRCh37 (hg19) VCF-style: chr3-132435624-C-G.
Other names: short protein forms G267A.
Identifiers: ClinVar variation 1416646 (VCV001416646.9), dbSNP rs1467512285, ClinGen allele CA354586375.